The following is an entry in ClinVar:

ClinVar aggregate classification (germline): Pathogenic (0 of 4 stars; one submission).

Conditions:
PPM1D-related disorder. Also called: PPM1D-related condition.

gnomAD v4.1: 1 of 1,614,114 alleles (0.000062%); highest among the groups gnomAD compares: Non-Finnish European, 0.000085%; no homozygotes.

Submission:

PreventionGenetics, part of Exact Sciences
Classification: Pathogenic for PPM1D-related condition. Last evaluated: 2024-04-05. Review status: no assertion criteria provided. Collection method: clinical testing. Allele origin: germline.
Comment: The PPM1D c.1403C>A variant is predicted to result in premature protein termination (p.Ser468*). To our knowledge, this variant has not been reported in the germline variant studies in the literature. This variant is reported in 0.00088% of alleles in individuals of European (Non-Finnish) descent in gnomAD. Nonsense variants in PPM1D are expected to be pathogenic. This variant is interpreted as pathogenic.

NM_003620.4(PPM1D):c.1403C>A (p.Ser468Ter)

Gene: PPM1D (protein phosphatase, Mg2+/Mn2+ dependent 1D; plus strand). Cytogenetic location: 17q23.2.
Variant type: single nucleotide variant.
Coding change: c.1403C>A on transcript NM_003620.4 (MANE Select); coding-DNA position 1403, C replaced by A.
Protein change: p.Ser468Ter; replaces serine 468 with a stop codon.
Molecular consequence: nonsense.
Genome position (GRCh38, 1-based): chr17:60,663,137, C>A. VCF-style: chr17-60663137-C-A. GRCh37 (hg19) VCF-style: chr17-58740498-C-A.
Other names: short protein forms S468*.
Identifiers: ClinVar variation 3350239 (VCV003350239.1).
Genomic context (GRCh38, chr17:60,663,137, plus strand): 5'-ATTTTTTAGAGGTTTCAGCTGAGATAGCTCGAGAGAATGTCCAAGGTGTAGTCATACCCT[C>A]AAAAGATCCAGAACCACTTGAAGAAAATTGCGCTAAAGCCCTGACTTTAAGGATACATGA-3'